The following is an entry in ClinVar:

NM_000553.6(WRN):c.1003G>C (p.Glu335Gln)

Gene: WRN (WRN RecQ like helicase; plus strand). Cytogenetic location: 8p12.
Variant type: single nucleotide variant.
Coding change: c.1003G>C on transcript NM_000553.6 (MANE Select); coding-DNA position 1003, G replaced by C.
Protein change: p.Glu335Gln; replaces glutamic acid 335 with glutamine.
Molecular consequence: missense variant.
Genome position (GRCh38, 1-based): chr8:31,081,030, G>C. VCF-style: chr8-31081030-G-C. GRCh37 (hg19) VCF-style: chr8-30938546-G-C.
Other names: short protein forms E335Q.
Identifiers: ClinVar variation 3686500 (VCV003686500.2).
Genomic context (GRCh38, chr8:31,081,030, plus strand): 5'-TTAAACTTATTATCCTTTGAAGATTCAACTACTGGGGGAGTACAACAGAAACAAATTAGA[G>C]AACATGAAGTTTTAATTCACGTTGAAGATGAAACATGGGACCCAACACTTGATCATTTAG-3'
Protein context (NP_000544.2, residues 325-345): TGGVQQKQIR[Glu335Gln]HEVLIHVEDE

ClinVar aggregate classification (germline): Uncertain significance (1 of 4 stars; one submission).

Conditions:
Werner syndrome (WRN). Identifiers: Orphanet 902, MedGen C0043119, MONDO:0010196, OMIM 277700.

Submission:

Labcorp Genetics (formerly Invitae), Labcorp
Classification: Uncertain significance for Werner syndrome. Last evaluated: 2024-06-08. Review status: criteria provided, single submitter. Criteria: Invitae Variant Classification Sherloc (09022015). Collection method: clinical testing. Allele origin: germline.
Comment: This sequence change replaces glutamic acid, which is acidic and polar, with glutamine, which is neutral and polar, at codon 335 of the WRN protein (p.Glu335Gln). This variant is not present in population databases (gnomAD no frequency). This variant has not been reported in the literature in individuals affected with WRN-related conditions. An algorithm developed to predict the effect of missense changes on protein structure and function (PolyPhen-2) suggests that this variant is likely to be disruptive. In summary, the available evidence is currently insufficient to determine the role of this variant in disease. Therefore, it has been classified as a Variant of Uncertain Significance.